The following is an entry in ClinVar:

ClinVar aggregate classification (germline): Benign/Likely benign. Review status: criteria provided, multiple submitters, no conflicts (2 of 4 stars). 7 submissions from 7 submitters: Benign (1); Likely benign (4). 2 of the submissions do not count toward it. Last evaluated 2025-11-17.

Conditions:
TTN-related disorder. Also called: TTN-related disorders; TTN-related condition; TTN-related disease.

Allele frequency attached by ClinVar (database versions not stated): ESP Exome Variant Server 0.00031; gnomAD 0.00034; gnomAD exomes 0.00043; ExAC 0.00049; 1000 Genomes Project 30x 0.00016; 1000 Genomes Project 0.00020; TOPMed 0.00020.
gnomAD v4.1: 535 of 1,611,660 alleles (0.033%); highest among the groups gnomAD compares: Non-Finnish European, 0.029%; 1 homozygote.

Submissions (7):

PreventionGenetics, part of Exact Sciences
Classification: Likely benign for TTN-related condition. Last evaluated: 2025-11-17. Review status: criteria provided, single submitter. Criteria: ACMG Guidelines, 2015. Collection method: clinical testing. Allele origin: germline.
Comment: This variant is classified as likely benign based on ACMG/AMP sequence variant interpretation guidelines (Richards et al. 2015 PMID: 25741868, with internal and published modifications).

CeGaT Center for Human Genetics Tuebingen
Classification: Likely benign. Last evaluated: 2024-11-01. Review status: criteria provided, single submitter. Criteria: CeGaT Center For Human Genetics Tuebingen Variant Classification Criteria Version 2. Collection method: clinical testing. Allele origin: germline. Affected: yes. Observed: 4 variant alleles.
Comment: TTN: BP4

Blueprint Genetics
Classification: Likely benign. Last evaluated: 2024-10-23. Review status: criteria provided, single submitter. Criteria: ACMG Guidelines, 2015. Collection method: clinical testing. Allele origin: germline.

Laboratory for Molecular Medicine, Mass General Brigham Personalized Medicine
Classification: Benign. Last evaluated: 2019-08-02. Review status: criteria provided, single submitter. Criteria: LMM Criteria. Collection method: clinical testing. Allele origin: germline. Observed: 1 variant allele.
Comment: The p.Pro5065Ser variant in TTN is classified as benign because it has been identified in 0.3% (73/24960) of Finnish chromosomes by gnomAD. ACMG/AMP Criteria applied: BA1.

Eurofins Ntd Llc (ga)
Classification: Likely benign. Last evaluated: 2017-06-06. Review status: criteria provided, single submitter. Criteria: EGL Classification Definitions 2015. Collection method: clinical testing. Allele origin: germline. Observed: 3 variant alleles, 3 heterozygotes.

Clinical Genetics DNA and cytogenetics Diagnostics Lab, Erasmus MC, Erasmus Medical Center
Classification: Likely benign. Review status: no assertion criteria provided. Collection method: clinical testing. Allele origin: germline. Affected: yes. Study: VKGL Data-share Consensus. Not counted in ClinVar's aggregate classification.

Clinical Genetics, Academic Medical Center
Classification: Benign. Review status: no assertion criteria provided. Collection method: clinical testing. Allele origin: germline. Affected: yes. Study: VKGL Data-share Consensus. Not counted in ClinVar's aggregate classification.

NM_133379.5(TTN):c.15193C>T (p.Pro5065Ser)

Gene: TTN (titin; minus strand). Cytogenetic location: 2q31.2.
Variant type: single nucleotide variant.
Coding change: c.15193C>T on transcript NM_133379.5; coding-DNA position 15193, C replaced by T.
Protein change: p.Pro5065Ser; replaces proline 5065 with serine.
Molecular consequence: missense variant. On other transcripts: intron variant (6).
Genome position (GRCh38, 1-based): chr2:178,747,207, G>A on the plus strand (C>T on the coding strand, the complement: TTN is on the minus strand). VCF-style: chr2-178747207-G-A. GRCh37 (hg19) VCF-style: chr2-179611934-G-A.
Other names: c.10223-5286C>T (NM_003319.4); c.10799-5286C>T (NM_133437.4); c.10598-5286C>T (NM_133432.3); c.10360+5917C>T (NM_133378.4); c.10361-5286C>T (NM_001256850.1); c.11312-5286C>T (NM_001267550.2); c.15193C>T (NM_133379.4); short protein forms P5065S.
Identifiers: ClinVar variation 47780 (VCV000047780.38), dbSNP rs200953966, ClinGen allele CA141883.